The following is an entry in ClinVar:

NM_000264.5(PTCH1):c.2799del (p.Tyr934fs)

Gene: PTCH1 (patched 1; minus strand). Cytogenetic location: 9q22.32.
Variant type: Deletion.
Coding change: c.2799del on transcript NM_000264.5 (MANE Select); coding-DNA position 2799, one base deleted (G; older notation c.2799delG).
Protein change: p.Tyr934fs; shifts the reading frame from tyrosine 934.
Molecular consequence: frameshift variant. On other transcripts: non-coding transcript variant (1).
Genome position (GRCh38, 1-based): chr9:95,459,688, C deleted on the plus strand (G on the coding strand, the reverse complement: PTCH1 is on the minus strand). VCF-style (leftmost placement, unchanged base first): chr9-95459687-AC-A. GRCh37 (hg19) VCF-style: chr9-98221969-AC-A.
Other names: c.2601del, p.Tyr868fs (NM_001083602.3); c.2796del, p.Tyr933fs (NM_001083603.3); c.2346del, p.Tyr783fs (NM_001083604.3, NM_001083605.3, NM_001083606.3 and 1 more transcripts); c.2643del, p.Tyr882fs (NM_001354918.2); short protein forms Y783fs, Y868fs, Y934fs, Y882fs, Y933fs.
Identifiers: ClinVar variation 216056 (VCV000216056.9), dbSNP rs863224484, ClinGen allele CA339017.

ClinVar aggregate classification (germline): Pathogenic (1 of 4 stars; one submission).

Conditions:
Gorlin syndrome. Also called: Nevoid Basal Cell Carcinoma Syndrome; Basal cell nevus syndrome. Identifiers: Orphanet 377, MedGen C0004779, MONDO:0007187.

Submission:

Labcorp Genetics (formerly Invitae), Labcorp
Classification: Pathogenic for Gorlin syndrome. Last evaluated: 2015-03-12. Review status: criteria provided, single submitter. Criteria: Invitae Variant Classification Sherloc (09022015). Collection method: clinical testing. Allele origin: germline.
Comment: For these reasons, this variant has been classified as Pathogenic. While this particular variant has not been reported in the literature, truncating variants in PTCH1 are known to be pathogenic (PMID: 16301862, 16419085). This sequence change deletes 1 nucleotide from exon 17 of the PTCH1 mRNA (c.2799delG), causing a frameshift at codon 934. This creates a premature translational stop signal (p.Tyr934Metfs*28) and is expected to result in an absent or disrupted protein product.

Literature cited by the submitters: PubMed 16301862; PubMed 16419085.